The following is an entry in ClinVar:

NM_182914.3(SYNE2):c.8729G>A (p.Arg2910Lys)

Gene: SYNE2 (spectrin repeat containing nuclear envelope protein 2; plus strand). Cytogenetic location: 14q23.2.
Variant type: single nucleotide variant.
Coding change: c.8729G>A on transcript NM_182914.3 (MANE Select); coding-DNA position 8729, G replaced by A.
Protein change: p.Arg2910Lys; replaces arginine 2910 with lysine.
Molecular consequence: missense variant.
Genome position (GRCh38, 1-based): chr14:64,052,642, G>A. VCF-style: chr14-64052642-G-A. GRCh37 (hg19) VCF-style: chr14-64519360-G-A.
Other names: c.8729G>A, p.Arg2910Lys (NM_015180.6); short protein forms R2910K.
Identifiers: ClinVar variation 1036383 (VCV001036383.8), dbSNP rs367802102, ClinGen allele CA7221154.
Genomic context (GRCh38, chr14:64,052,642, plus strand): 5'-GAATCTCAACACATCTTCAGGAGCTAACAAACATCTATGAGGAGCTGAATGTGTTTGAAA[G>A]ATTATTTCTGGAAGATCAGTTGAAAAATCTTAAGATTAGGACCAACAGAATACAAAGATT-3'
Protein context (NP_878918.2, residues 2900-2920): NIYEELNVFE[Arg2910Lys]LFLEDQLKNL

ClinVar aggregate classification (germline): Uncertain significance (1 of 4 stars; one submission).

Conditions:
Emery-Dreifuss muscular dystrophy 5, autosomal dominant (EDMD5). Also called: EMERY-DREIFUSS MUSCULAR DYSTROPHY 5. Identifiers: Orphanet 261, MedGen C2751805, MONDO:0013072, OMIM 612999.

Allele frequency attached by ClinVar (database versions not stated): TOPMed 0.00001; gnomAD 0.00002; ESP Exome Variant Server 0.00008.
gnomAD v4.1: 6 of 1,613,870 alleles (0.00037%); highest among the groups gnomAD compares: African/African-American, 0.0013%; no homozygotes.

Submission:

Labcorp Genetics (formerly Invitae), Labcorp
Classification: Uncertain significance for Emery-Dreifuss muscular dystrophy 5, autosomal dominant. Last evaluated: 2022-07-26. Review status: criteria provided, single submitter. Criteria: Invitae Variant Classification Sherloc (09022015). Collection method: clinical testing. Allele origin: germline.
Comment: In summary, the available evidence is currently insufficient to determine the role of this variant in disease. Therefore, it has been classified as a Variant of Uncertain Significance. Algorithms developed to predict the effect of missense changes on protein structure and function output the following: SIFT: "Tolerated"; PolyPhen-2: "Benign"; Align-GVGD: "Class C0". The lysine amino acid residue is found in multiple mammalian species, which suggests that this missense change does not adversely affect protein function. ClinVar contains an entry for this variant (Variation ID: 1036383). This variant has not been reported in the literature in individuals affected with SYNE2-related conditions. This variant is present in population databases (rs367802102, gnomAD 0.004%). This sequence change replaces arginine, which is basic and polar, with lysine, which is basic and polar, at codon 2910 of the SYNE2 protein (p.Arg2910Lys).